The following is an entry in ClinVar:

ClinVar aggregate classification (germline): Pathogenic. Review status: criteria provided, multiple submitters, no conflicts (2 of 4 stars). 4 submissions from 4 submitters: Pathogenic (3). 1 of the submissions does not count toward it. Last evaluated 2025-09-10.

Conditions:
Neuropathy, hereditary sensory and autonomic, type 1A (HSAN1A). Also called: SPTLC1-Related Hereditary Sensory Neuropathy; HSAN IA; HSN IA; NEUROPATHY, HEREDITARY SENSORY AND AUTONOMIC, TYPE IA; NEUROPATHY, HEREDITARY SENSORY RADICULAR, AUTOSOMAL DOMINANT, TYPE 1A. Identifiers: MedGen C5235211, MONDO:0008086, OMIM 162400.
Amyotrophic lateral sclerosis 27, juvenile (ALS27). Identifiers: MedGen C5830359, MONDO:0859529, OMIM 620285.
Ritscher-Schinzel syndrome 4. Identifiers: MedGen C5561939, MONDO:0030331, OMIM 619435.

Submissions (4):

Genomic Medicine Center of Excellence, King Faisal Specialist Hospital and Research Centre
Classification: Pathogenic for Ritscher-Schinzel syndrome 4. Last evaluated: 2025-09-10. Review status: criteria provided, single submitter. Criteria: ACMG Guidelines, 2015. Collection method: clinical testing. Allele origin: germline.

GeneDx
Classification: Pathogenic. Last evaluated: 2023-09-29. Review status: criteria provided, single submitter. Criteria: GeneDx Variant Classification Process June 2021. Collection method: clinical testing. Allele origin: germline. Affected: yes.
Comment: Published functional studies suggest an impact on splicing and a damaging effect on protein function (Johnson et al., 2021; Mohassel et al., 2021; Kolbel et al., 2022 Lone et al., 2022); Not observed at significant frequency in large population cohorts (gnomAD); This variant is associated with the following publications: (PMID: 34459874, 34059824, 35627278, 35900868)

Victorian Clinical Genetics Services, Murdoch Childrens Research Institute
Classification: Pathogenic for Neuropathy, hereditary sensory and autonomic, type 1A. Last evaluated: 2022-02-02. Review status: criteria provided, single submitter. Criteria: ACMG Guidelines, 2015. Collection method: clinical testing. Allele origin: germline. Inheritance: Autosomal dominant inheritance. Affected: yes.
Comment: Based on the classification scheme VCGS_Germline_v1.3.4, this variant is classified as pathogenic. Following criteria are met: 0105 - The mechanism of disease for this gene is not clearly established. (I) 0107 - This gene is associated with autosomal dominant disease. (I) 0210 - Splice site variant proven to affect splicing of the transcript with a known effect on protein sequence. This missense variant results in complete skipping of exon 2 of the SPTLC1 protein (PMID: 34059824). (SP) 0251 - This variant is heterozygous. (I) 0301 - Variant is absent from gnomAD (both v2 and v3). (SP) 0502 - Missense variant with conflicting in silico predictions and uninformative conservation. (I) 0604 - Variant is not located in an established domain, motif, hotspot or informative constraint region. (I) 0705 - No comparable variants have previous evidence for pathogenicity. (I) 0801 - This variant has strong previous evidence of pathogenicity in unrelated individuals. This variant has been reported as de novo in three individuals with juvenile amyotrophic lateral sclerosis (Johnson, JO. et al. (2020) PriPrint, PMID: 34059824). It has also been reported as VUS once in ClinVar. (SP) 0905 - No published segregation evidence has been identified for this variant. (I) 1002 - This variant has moderate functional evidence supporting abnormal protein function. Functional data demonstrated abnormal SPTLC1 function by measuring sphingolipids extracted from plasma (Johnson, JO. et al. (2020) PriPrint). (SP) 1102 - Strong phenotype match for this individual. (SP) Legend: (SP) - Supporting pathogenic, (I) - Information, (SB) - Supporting benign

OMIM
Classification: Pathogenic for AMYOTROPHIC LATERAL SCLEROSIS 27, JUVENILE. Last evaluated: 2026-07-13. Review status: no assertion criteria provided. Collection method: literature only. Allele origin: germline. Not counted in ClinVar's aggregate classification.

Literature cited by the submitters: PubMed 34059824 (cited by Victorian Clinical Genetics Services, Murdoch Childrens Research Institute and OMIM); PubMed 34459874 (cited by OMIM).

NM_006415.4(SPTLC1):c.58G>T (p.Ala20Ser)

Gene: SPTLC1 (serine palmitoyltransferase long chain base subunit 1; minus strand). Cytogenetic location: 9q22.31.
Variant type: single nucleotide variant.
Coding change: c.58G>T on transcript NM_006415.4 (MANE Select); coding-DNA position 58, G replaced by T.
Protein change: p.Ala20Ser; replaces alanine 20 with serine.
Molecular consequence: missense variant. On other transcripts: 5 prime UTR variant (2).
Genome position (GRCh38, 1-based): chr9:92,112,562, C>A on the plus strand (G>T on the coding strand, the complement: SPTLC1 is on the minus strand). VCF-style: chr9-92112562-C-A. GRCh37 (hg19) VCF-style: chr9-94874844-C-A.
Other names: c.58G>T, p.Ala20Ser (NM_001281303.2, NM_178324.3); c.-442G>T (NM_001368272.1); c.-408G>T (NM_001368273.1); c.58G>T (NM_006415.3, NM_001281303.1); short protein forms A20S.
Identifiers: ClinVar variation 246520 (VCV000246520.9), dbSNP rs879254294, ClinGen allele CA10584304.
Genomic context (GRCh38, chr9:92,112,562, plus strand): 5'-AAAGAAGTCTGATTATCCAGAGGATCAGAATCCCTTCCAAAATAAGATGGTAAGCAGGAG[C>A]CTAAGAGTGAGTCAAAAACAAGTAAGATATGAAACATACACTTCTAACACCTGCACATAA-3'
Protein context (NP_006406.1, residues 10-30): LVEMVQALYE[Ala20Ser]PAYHLILEGI